The following is an entry in ClinVar:

ClinVar aggregate classification (germline): Likely pathogenic (1 of 4 stars; one submission).

Conditions:
Holocarboxylase synthetase deficiency. Also called: MULTIPLE CARBOXYLASE DEFICIENCY, EARLY ONSET. Identifiers: Orphanet 79242, MedGen C0268581, MONDO:0009666, OMIM 253270.

Submission:

Myriad Genetics, Inc.
Classification: Likely pathogenic for Holocarboxylase synthetase deficiency. Last evaluated: 2022-02-02. Review status: criteria provided, single submitter. Criteria: Myriad Women's Health Autosomal Recessive and X-Linked Classification Criteria (2021). Collection method: clinical testing. Allele origin: unknown.
Comment: NM_000411.6(HLCS):c.861_862insC(G288Rfs*23) is expected to be pathogenic in the context of holocarboxylase synthetase deficiency. This variant is predicted to lead to an abnormal or absent protein product due to the creation of a premature termination codon in HLCS, a gene where loss-of-function variants are known to be pathogenic. Please note: this variant was assessed in the context of healthy population screening.

NM_001352514.2(HLCS):c.1302_1303insC (p.Gly435fs)

Gene: HLCS (holocarboxylase synthetase; minus strand). Cytogenetic location: 21q22.13.
Variant type: Insertion.
Coding change: c.1302_1303insC on transcript NM_001352514.2 (MANE Select); coding-DNA positions 1302 to 1303, C inserted.
Protein change: p.Gly435fs; shifts the reading frame from glycine 435.
Molecular consequence: frameshift variant. On other transcripts: non-coding transcript variant (2).
Genome position: GRCh38 VCF-style: chr21-36936583-C-CG. GRCh37 (hg19) VCF-style: chr21-38308883-C-CG.
Other names: c.861_862insC, p.Gly288fs (NM_000411.8, NM_001242784.3, NM_001242785.2 and 4 more transcripts); short protein forms G288fs, G435fs.
Identifiers: ClinVar variation 1724212 (VCV001724212.2), dbSNP rs2517576039, ClinGen allele CA2580098664.
Genomic context (GRCh38, chr21:36,936,583, plus strand): 5'-CCAGGTGGCCCTGGAGCCTGCCGGGGCTGAGCCGGACGGGGCCTTCCTGGTACCTGCAGC[C>CG]ACTGCTCAAGACGCTGAGCTTCACCTCGCTCTGGTCAGCCTTGGAGAAAACCAAGTTCTG-3'